The following is an entry in ClinVar:

ClinVar aggregate classification (germline): Uncertain significance (1 of 4 stars; one submission).

Conditions:
Pulmonary fibrosis and/or bone marrow failure, Telomere-related, 4. Also called: PULMONARY FIBROSIS AND/OR BONE MARROW FAILURE SYNDROME, TELOMERE-RELATED, 4. Identifiers: Orphanet 2032, MedGen C4225347, MONDO:0014612, OMIM 616371.
Dyskeratosis congenita, autosomal recessive 6 (DKCB6). Identifiers: MedGen C4225356, MONDO:0014600, OMIM 616353.

Allele frequency attached by ClinVar (database versions not stated): TOPMed below 0.00001.

Submission:

Labcorp Genetics (formerly Invitae), Labcorp
Classification: Uncertain significance for Dyskeratosis congenita, autosomal recessive 6; Pulmonary fibrosis and/or bone marrow failure, Telomere-related, 4. Last evaluated: 2024-06-05. Review status: criteria provided, single submitter. Criteria: Invitae Variant Classification Sherloc (09022015). Collection method: clinical testing. Allele origin: germline.
Comment: This sequence change replaces valine, which is neutral and non-polar, with methionine, which is neutral and non-polar, at codon 184 of the PARN protein (p.Val184Met). This variant is not present in population databases (gnomAD no frequency). This variant has not been reported in the literature in individuals affected with PARN-related conditions. ClinVar contains an entry for this variant (Variation ID: 1898838). Advanced modeling of protein sequence and biophysical properties (such as structural, functional, and spatial information, amino acid conservation, physicochemical variation, residue mobility, and thermodynamic stability) performed at Invitae indicates that this missense variant is not expected to disrupt PARN protein function with a negative predictive value of 80%. In summary, the available evidence is currently insufficient to determine the role of this variant in disease. Therefore, it has been classified as a Variant of Uncertain Significance.

NM_002582.4(PARN):c.550G>A (p.Val184Met)

Gene: PARN (poly(A)-specific ribonuclease; minus strand). Cytogenetic location: 16p13.12.
Variant type: single nucleotide variant.
Coding change: c.550G>A on transcript NM_002582.4 (MANE Select); coding-DNA position 550, G replaced by A.
Protein change: p.Val184Met; replaces valine 184 with methionine.
Molecular consequence: missense variant.
Genome position (GRCh38, 1-based): chr16:14,610,648, C>T on the plus strand (G>A on the coding strand, the complement: PARN is on the minus strand). VCF-style: chr16-14610648-C-T. GRCh37 (hg19) VCF-style: chr16-14704505-C-T.
Other names: c.367G>A, p.Val123Met (NM_001134477.3); c.412G>A, p.Val138Met (NM_001242992.2); short protein forms V184M, V123M, V138M.
Identifiers: ClinVar variation 1898838 (VCV001898838.5), dbSNP rs1971469690, ClinGen allele CA394809984.